The following is an entry in ClinVar:

ClinVar aggregate classification (germline): Uncertain significance. Review status: criteria provided, multiple submitters, no conflicts (2 of 4 stars). 2 submissions from 2 submitters: Uncertain significance (2). Last evaluated 2024-10-15.

Conditions:
Inborn genetic diseases. Identifiers: MedGen C0950123, MeSH D030342.

Allele frequency attached by ClinVar (database versions not stated): gnomAD 0.00004; gnomAD exomes 0.00004; ExAC 0.00005; TOPMed 0.00005.
gnomAD v4.1: 56 of 1,448,820 alleles (0.0039%); highest among the groups gnomAD compares: South Asian, 0.0017%; 1 homozygote.

Submissions (2):

Labcorp Genetics (formerly Invitae), Labcorp
Classification: Uncertain significance. Last evaluated: 2024-10-15. Review status: criteria provided, single submitter. Criteria: Invitae Variant Classification Sherloc (09022015). Collection method: clinical testing. Allele origin: germline.
Comment: This sequence change replaces methionine, which is neutral and non-polar, with valine, which is neutral and non-polar, at codon 837 of the FOCAD protein (p.Met837Val). This variant is present in population databases (rs756176138, gnomAD 0.1%), and has an allele count higher than expected for a pathogenic variant. This variant has not been reported in the literature in individuals affected with FOCAD-related conditions. Experimental studies and prediction algorithms are not available or were not evaluated, and the functional significance of this variant is currently unknown. In summary, the available evidence is currently insufficient to determine the role of this variant in disease. Therefore, it has been classified as a Variant of Uncertain Significance.

Ambry Genetics
Classification: Uncertain significance for Inborn genetic diseases. Last evaluated: 2023-09-29. Review status: criteria provided, single submitter. Criteria: Ambry Variant Classification Scheme 2023. Collection method: clinical testing. Allele origin: germline.

NM_001375567.1(FOCAD):c.2509A>G (p.Met837Val)

Gene: FOCAD (focadhesin; plus strand). Cytogenetic location: 9p21.3.
Variant type: single nucleotide variant.
Coding change: c.2509A>G on transcript NM_001375567.1 (MANE Select); coding-DNA position 2509, A replaced by G.
Protein change: p.Met837Val; replaces methionine 837 with valine.
Molecular consequence: missense variant.
Genome position (GRCh38, 1-based): chr9:20,885,114, A>G. VCF-style: chr9-20885114-A-G. GRCh37 (hg19) VCF-style: chr9-20885113-A-G.
Other names: c.2404A>G, p.Met802Val (NM_001375568.1, NM_001375570.1); c.2509A>G, p.Met837Val (NM_017794.5); short protein forms M802V, M837V.
Identifiers: ClinVar variation 3096176 (VCV003096176.3), dbSNP rs756176138, ClinGen allele CA5007156.